The following is an entry in ClinVar:

NM_004817.4(TJP2):c.965G>A (p.Arg322Gln)

Gene: TJP2 (tight junction protein 2; plus strand). Cytogenetic location: 9q21.11.
Variant type: single nucleotide variant.
Coding change: c.965G>A on transcript NM_004817.4 (MANE Select); coding-DNA position 965, G replaced by A.
Protein change: p.Arg322Gln; replaces arginine 322 with glutamine.
Molecular consequence: missense variant.
Genome position (GRCh38, 1-based): chr9:69,225,316, G>A. VCF-style: chr9-69225316-G-A. GRCh37 (hg19) VCF-style: chr9-71840232-G-A.
Other names: c.896G>A, p.Arg299Gln (NM_001170414.2, NM_001369870.1, NM_001369871.1); c.977G>A, p.Arg326Gln (NM_001170415.1, NM_001369874.1, NM_001369875.1); c.1058G>A, p.Arg353Gln (NM_001170416.2); c.965G>A, p.Arg322Gln (NM_001369872.1, NM_001369873.1, NM_201629.3); short protein forms R299Q, R322Q, R326Q, R353Q.
Identifiers: ClinVar variation 3600619 (VCV003600619.2).

ClinVar aggregate classification (germline): Uncertain significance. Review status: criteria provided, multiple submitters, no conflicts (2 of 4 stars). 2 submissions from 2 submitters: Uncertain significance (2). Last evaluated 2025-12-05.

Conditions:
TJP2-related disorder. Also called: TJP2-related condition.

gnomAD v4.1: 46 of 1,612,912 alleles (0.0029%); highest among the groups gnomAD compares: Middle Eastern, 0.033%; no homozygotes.

Submissions (2):

PreventionGenetics, part of Exact Sciences
Classification: Uncertain significance for TJP2-related condition. Last evaluated: 2025-12-05. Review status: criteria provided, single submitter. Criteria: ACMG Guidelines, 2015. Collection method: clinical testing. Allele origin: germline.
Comment: The TJP2 c.965G>A variant is predicted to result in the amino acid substitution p.Arg322Gln. To our knowledge, this variant has not been reported in the literature. This variant is reported in 0.036% of alleles in individuals of South Asian descent in gnomAD. At this time, the clinical significance of this variant is uncertain due to the absence of conclusive functional and genetic evidence.

GeneDx
Classification: Uncertain significance. Last evaluated: 2024-07-22. Review status: criteria provided, single submitter. Criteria: GeneDx Variant Classification Process June 2021. Collection method: clinical testing. Allele origin: germline. Affected: yes.
Comment: In silico analysis supports that this missense variant has a deleterious effect on protein structure/function; Has not been previously published as pathogenic or benign to our knowledge